The following is an entry in ClinVar:

NM_001111125.3(IQSEC2):c.910G>T (p.Ala304Ser)

Gene: IQSEC2 (IQ motif and Sec7 domain ArfGEF 2; minus strand). Cytogenetic location: Xp11.22.
Variant type: single nucleotide variant.
Coding change: c.910G>T on transcript NM_001111125.3 (MANE Select); coding-DNA position 910, G replaced by T.
Protein change: p.Ala304Ser; replaces alanine 304 with serine.
Molecular consequence: missense variant.
Genome position (GRCh38, 1-based): chrX:53,255,889, C>A on the plus strand (G>T on the coding strand, the complement: IQSEC2 is on the minus strand). VCF-style: chrX-53255889-C-A. GRCh37 (hg19) VCF-style: chrX-53285071-C-A.
Other names: c.295G>T, p.Ala99Ser (NM_015075.2); short protein forms A304S, A99S.
Identifiers: ClinVar variation 855595 (VCV000855595.7), dbSNP rs782768117, ClinGen allele CA10420128.
Genomic context (GRCh38, chrX:53,255,889, plus strand): 5'-CATAGCTGTCCGATAGGGCCTTGGAGCGCTTTATCTCCTCCTCCTCCTGCTTCCTCAGGG[C>A]GACACTGGCTGGCTGGAGGCGTGCCCGCTGAGCCCAGGGAAGGCCCACTCCAGCAGGGGG-3'
Protein context (NP_001104595.1, residues 294-314): QRARLQPASV[Ala304Ser]LRKQEEEEIK

ClinVar aggregate classification (germline): Uncertain significance. Review status: criteria provided, multiple submitters, no conflicts (2 of 4 stars). 2 submissions from 2 submitters: Uncertain significance (2). Last evaluated 2023-11-27.

Conditions:
IQSEC2-related disorder. Also called: IQSEC2-related condition.
Intellectual developmental disorder, X-linked 1. Also called: Atkin Flaitz Patil Smith syndrome; MENTAL RETARDATION, X-LINKED 18; MENTAL RETARDATION, X-LINKED 78; Intellectual disability, X-linked 1. Identifiers: Orphanet 777, MedGen C2931498, MONDO:0010656, OMIM 309530.

Allele frequency attached by ClinVar (database versions not stated): ExAC 0.00003.
gnomAD v4.1: 8 of 1,210,817 alleles (0.00066%); highest among the groups gnomAD compares: Non-Finnish European, 0.00089%; no homozygotes.

Submissions (2):

Labcorp Genetics (formerly Invitae), Labcorp
Classification: Uncertain significance for Intellectual developmental disorder, X-linked 1. Last evaluated: 2023-11-27. Review status: criteria provided, single submitter. Criteria: Invitae Variant Classification Sherloc (09022015). Collection method: clinical testing. Allele origin: germline.
Comment: This sequence change replaces alanine, which is neutral and non-polar, with serine, which is neutral and polar, at codon 304 of the IQSEC2 protein (p.Ala304Ser). The frequency data for this variant in the population databases is considered unreliable, as metrics indicate poor data quality at this position in the gnomAD database. This variant has not been reported in the literature in individuals affected with IQSEC2-related conditions. ClinVar contains an entry for this variant (Variation ID: 855595). Advanced modeling of protein sequence and biophysical properties (such as structural, functional, and spatial information, amino acid conservation, physicochemical variation, residue mobility, and thermodynamic stability) performed at Invitae indicates that this missense variant is not expected to disrupt IQSEC2 protein function with a negative predictive value of 95%. In summary, the available evidence is currently insufficient to determine the role of this variant in disease. Therefore, it has been classified as a Variant of Uncertain Significance.

PreventionGenetics, part of Exact Sciences
Classification: Uncertain significance for IQSEC2-related condition. Last evaluated: 2023-03-07. Review status: criteria provided, single submitter. Criteria: ACMG Guidelines, 2015. Collection method: clinical testing. Allele origin: germline.
Comment: The IQSEC2 c.910G>T variant is predicted to result in the amino acid substitution p.Ala304Ser. To our knowledge, this variant has not been reported in the literature. This variant is reported in 0.0025% of alleles in individuals of European (Non-Finnish) descent in gnomAD. At this time, the clinical significance of this variant is uncertain due to the absence of conclusive functional and genetic evidence.